The following is an entry in ClinVar:

ClinVar aggregate classification (germline): Uncertain significance. Review status: criteria provided, multiple submitters, no conflicts (2 of 4 stars). 2 submissions from 2 submitters: Uncertain significance (2). Last evaluated 2026-01-19.

gnomAD v4.1: 24 of 1,610,320 alleles (0.0015%); highest among the groups gnomAD compares: Non-Finnish European, 0.002%; no homozygotes.

Submissions (2):

Labcorp Genetics (formerly Invitae), Labcorp
Classification: Uncertain significance. Last evaluated: 2026-01-19. Review status: criteria provided, single submitter. Criteria: Invitae Variant Classification Sherloc (09022015). Collection method: clinical testing. Allele origin: germline.
Comment: This sequence change replaces tyrosine, which is neutral and polar, with cysteine, which is neutral and slightly polar, at codon 319 of the POC5 protein (p.Tyr319Cys). This variant is not present in population databases (gnomAD no frequency). This variant has not been reported in the literature in individuals affected with POC5-related conditions. ClinVar contains an entry for this variant (Variation ID: 3421780). An algorithm developed to predict the effect of missense changes on protein structure and function (PolyPhen-2) suggests that this variant is likely to be disruptive. In summary, the available evidence is currently insufficient to determine the role of this variant in disease. Therefore, it has been classified as a Variant of Uncertain Significance.

Ambry Genetics
Classification: Uncertain significance. Last evaluated: 2024-12-03. Review status: criteria provided, single submitter. Criteria: Ambry Variant Classification Scheme 2023. Collection method: clinical testing. Allele origin: germline.

NM_001099271.2(POC5):c.956A>G (p.Tyr319Cys)

Gene: POC5 (POC5 centriolar protein; minus strand). Cytogenetic location: 5q13.3.
Variant type: single nucleotide variant.
Coding change: c.956A>G on transcript NM_001099271.2 (MANE Select); coding-DNA position 956, A replaced by G.
Protein change: p.Tyr319Cys; replaces tyrosine 319 with cysteine.
Molecular consequence: missense variant.
Genome position (GRCh38, 1-based): chr5:75,690,402, T>C on the plus strand (A>G on the coding strand, the complement: POC5 is on the minus strand). VCF-style: chr5-75690402-T-C. GRCh37 (hg19) VCF-style: chr5-74986227-T-C.
Other names: c.881A>G, p.Tyr294Cys (NM_152408.3); short protein forms Y294C, Y319C.
Identifiers: ClinVar variation 3421780 (VCV003421780.2).